The following is an entry in ClinVar:

ClinVar aggregate classification (germline): Uncertain significance (1 of 4 stars; one submission).

Allele frequency attached by ClinVar (database versions not stated): gnomAD exomes 0.00001 and 0.00002; gnomAD 0.00004 and 0.00005; TOPMed 0.00006.

Submission:

Labcorp Genetics (formerly Invitae), Labcorp
Classification: Uncertain significance. Last evaluated: 2025-11-22. Review status: criteria provided, single submitter. Criteria: Invitae Variant Classification Sherloc (09022015). Collection method: clinical testing. Allele origin: germline.
Comment: This sequence change replaces methionine, which is neutral and non-polar, with lysine, which is basic and polar, at codon 616 of the CACNA1F protein (p.Met616Lys). This variant is present in population databases (no rsID available, gnomAD 0.008%). This variant has not been reported in the literature in individuals affected with CACNA1F-related conditions. ClinVar contains an entry for this variant (Variation ID: 1394068). Invitae Evidence Modeling of protein sequence and biophysical properties (such as structural, functional, and spatial information, amino acid conservation, physicochemical variation, residue mobility, and thermodynamic stability) indicates that this missense variant is not expected to disrupt CACNA1F protein function with a negative predictive value of 80%. In summary, the available evidence is currently insufficient to determine the role of this variant in disease. Therefore, it has been classified as a Variant of Uncertain Significance.

NM_001256789.3(CACNA1F):c.1814T>A (p.Met605Lys)

Gene: CACNA1F (calcium voltage-gated channel subunit alpha1 F; minus strand). Cytogenetic location: Xp11.23.
Variant type: single nucleotide variant.
Coding change: c.1814T>A on transcript NM_001256789.3 (MANE Select); coding-DNA position 1814, T replaced by A.
Protein change: p.Met605Lys; replaces methionine 605 with lysine.
Molecular consequence: missense variant.
Genome position (GRCh38, 1-based): chrX:49,224,824, A>T on the plus strand (T>A on the coding strand, the complement: CACNA1F is on the minus strand). VCF-style: chrX-49224824-A-T. GRCh37 (hg19) VCF-style: chrX-49081286-A-T.
Other names: c.1652T>A, p.Met551Lys (NM_001256790.3); c.1847T>A, p.Met616Lys (NM_005183.4); short protein forms M605K, M551K, M616K.
Identifiers: ClinVar variation 1394068 (VCV001394068.6), dbSNP rs994796420, ClinGen allele CA329122973.